The following is an entry in ClinVar:

ClinVar aggregate classification (germline): Benign. Review status: criteria provided, multiple submitters, no conflicts (2 of 4 stars). 4 submissions from 4 submitters: Benign (2). 2 of the submissions do not count toward it. Last evaluated 2026-01-29.

Conditions:
SIM1-related disorder. Also called: SIM1-related condition; SIM1-related disorders.
Obesity due to SIM1 deficiency. Identifiers: Orphanet 369873, MedGen C5191050, MONDO:0018244.
Oromandibular-limb hypogenesis spectrum (MBS). Also called: MOEBIUS SEQUENCE; Absence or underdevelopment of the 6th and 7th cranial nerves; Congenital facial diplegia syndrome; Congenital oculofacial paralysis; Möbius Syndrome. Identifiers: Orphanet 570, MedGen C0221060, MONDO:0008006, OMIM 157900.

Allele frequency attached by ClinVar (database versions not stated): gnomAD 0.00255 and 0.00276; TOPMed 0.00512; ExAC 0.00545; 1000 Genomes Project 0.00599; 1000 Genomes Project 30x 0.00625; ESP Exome Variant Server 0.00008; gnomAD exomes 0.00159 and 0.00687.
gnomAD v4.1: 2,734 of 1,614,098 alleles (0.17%); highest among the groups gnomAD compares: Admixed American, 3.8%; 60 homozygotes.

Submissions (4):

Labcorp Genetics (formerly Invitae), Labcorp
Classification: Benign. Last evaluated: 2026-01-29. Review status: criteria provided, single submitter. Criteria: Invitae Variant Classification Sherloc (09022015). Collection method: clinical testing. Allele origin: germline.

Illumina Laboratory Services, Illumina
Classification: Benign for Obesity due to SIM1 deficiency. Last evaluated: 2018-01-12. Review status: criteria provided, single submitter. Criteria: ICSL Variant Classification Criteria 13 December 2019. Collection method: clinical testing. Allele origin: germline.
Comment: This variant was observed in the ICSL laboratory as part of a predisposition screen in an ostensibly healthy population. It had not been previously curated by ICSL or reported in the Human Gene Mutation Database (HGMD: prior to June 1st, 2018), and was therefore a candidate for classification through an automated scoring system. Utilizing variant allele frequency, disease prevalence and penetrance estimates, and inheritance mode, an automated score was calculated to assess if this variant is too frequent to cause the disease. Based on the score and internal cut-off values, a variant classified as benign is not then subjected to further curation. The score for this variant resulted in a classification of benign for this disease.

PreventionGenetics, part of Exact Sciences
Classification: Benign for SIM1-related condition. Last evaluated: 2019-06-26. Review status: no assertion criteria provided. Collection method: clinical testing. Allele origin: germline. Not counted in ClinVar's aggregate classification.
Comment: This variant is classified as benign based on ACMG/AMP sequence variant interpretation guidelines (Richards et al. 2015 PMID: 25741868, with internal and published modifications).

CHU Sainte-Justine Research Center, University of Montreal
Classification: Likely benign for Oromandibular-limb hypogenesis spectrum. Last evaluated: 2016-08-12. Review status: no assertion criteria provided. Collection method: research. Allele origin: inherited. Affected: yes. Not counted in ClinVar's aggregate classification.

NM_005068.3(SIM1):c.1994G>A (p.Arg665His)

Gene: SIM1 (SIM bHLH transcription factor 1; minus strand). Cytogenetic location: 6q16.3.
Variant type: single nucleotide variant.
Coding change: c.1994G>A on transcript NM_005068.3 (MANE Select); coding-DNA position 1994, G replaced by A.
Protein change: p.Arg665His; replaces arginine 665 with histidine.
Molecular consequence: missense variant.
Genome position (GRCh38, 1-based): chr6:100,390,668, C>T on the plus strand (G>A on the coding strand, the complement: SIM1 is on the minus strand). VCF-style: chr6-100390668-C-T. GRCh37 (hg19) VCF-style: chr6-100838544-C-T.
Other names: c.1994G>A, p.Arg665His (NM_001374769.1); short protein forms R665H.
Identifiers: ClinVar variation 254102 (VCV000254102.16), dbSNP rs146866401, ClinGen allele CA3936900.
Genomic context (GRCh38, chr6:100,390,668, plus strand): 5'-TGAGGAGATATATCCGAATGCAGATAGTCTTTAGCTAGGATCAAACTGGATTTTGAAATG[C>T]GATCCGAATTGGGACTACTTATCCGAGATAGTGCGGTGGGACTGTTGTCATAGTCATTTT-3'
Protein context (NP_005059.2, residues 655-675): LSRISSPNSD[Arg665His]ISKSSLILAK